The following is an entry in ClinVar:

NM_006015.6(ARID1A):c.2893C>G (p.Pro965Ala)

Gene: ARID1A (AT-rich interaction domain 1A; plus strand). Cytogenetic location: 1p36.11.
Variant type: single nucleotide variant.
Coding change: c.2893C>G on transcript NM_006015.6 (MANE Select); coding-DNA position 2893, C replaced by G.
Protein change: p.Pro965Ala; replaces proline 965 with alanine.
Molecular consequence: missense variant.
Genome position (GRCh38, 1-based): chr1:26,766,471, C>G. VCF-style: chr1-26766471-C-G. GRCh37 (hg19) VCF-style: chr1-27092962-C-G.
Other names: c.2893C>G, p.Pro965Ala (NM_139135.4); short protein forms P965A.
Identifiers: ClinVar variation 3251153 (VCV003251153.18), dbSNP rs2081040619.
Genomic context (GRCh38, chr1:26,766,471, plus strand): 5'-TCACAGCTAAACTTACTGGACTTGAGAATTTTTTTCTCTTTTACAGGGATGGCAGCCAGC[C>G]CAGAGATGATGGGCCTTGGGGATGTAAAGTTAACTCCAGCCACCAAAATGAACAACAAGG-3'
Protein context (NP_006006.3, residues 955-975): ANNSAGMAAS[Pro965Ala]EMMGLGDVKL

ClinVar aggregate classification (germline): Uncertain significance (1 of 4 stars; one submission).

gnomAD v4.1: 2 of 1,613,988 alleles (0.00012%); highest among the groups gnomAD compares: Non-Finnish European, 0.00017%; no homozygotes.

Submission:

CeGaT Center for Human Genetics Tuebingen
Classification: Uncertain significance. Last evaluated: 2024-06-01. Review status: criteria provided, single submitter. Criteria: CeGaT Center For Human Genetics Tuebingen Variant Classification Criteria Version 2. Collection method: clinical testing. Allele origin: germline. Affected: yes. Observed: 1 variant allele.
Comment: ARID1A: PM2, BP1